The following is an entry in ClinVar:

ClinVar aggregate classification (germline): not provided (0 of 4 stars; one submission).

Conditions:
Normal pregnancy. Identifiers: MedGen C0232989.

Submission:

Institute of Molecular and Cell Biology, University of Tartu
No classification provided. Condition: Normal pregnancy. Review status: no classification provided. Collection method: case-control. Allele origin: unknown. Affected: yes. Study: Kasak2014.
Comment: The study aimed to determine the contribution of copy number variants in the genetic etiology of normal and complicated pregnancies. The samples represented (i) maternal blood DNA drawn from healthy pregnant women during 1st or 2nd trimester and (ii) maternal and paternal blood DNA drawn at term pregnancy cases representing normal and complicated gestations (severe preeclampsia, PE; gestational diabetes, GD; small-for-gestational age newborn, SGA; large-for-gestational age newborn, LGA). We performed CNV calling based on genome-wide genotyping dataset (Illumina HumanOmniExpress-24-v1 BeadChip) by applying three algorithms, QuantiSNP, GADA (Genome Alteration Detection Algorithm) and CNstream in parallel. The acquired CNV calls were merged with HD-CNV (Hotspot Detector for Copy Number Variants) program and only the CNVs predicted by at least two programs, were considered in subsequent analysis.

Literature cited by the submitters: PubMed 25666259.

Single allele

Genes: LINC01237 (long intergenic non-protein coding RNA 1237; plus strand), LINC01880 (long intergenic non-protein coding RNA 1880; minus strand), LINC01881 (long intergenic non-protein coding RNA 1881; plus strand), LINC03100 (long intergenic non-protein coding RNA 3100; minus strand), LOC122889016 (Sharpr-MPRA regulatory region 9157; plus strand) and 2 more. Cytogenetic location: 2q37.3.
Variant type: Deletion.
Identifiers: ClinVar variation 156835 (VCV000156835.2).